The following is an entry in ClinVar:

NM_017882.3(CLN6):c.733G>A (p.Val245Ile)

Gene: CLN6 (CLN6 transmembrane ER protein; minus strand). Cytogenetic location: 15q23.
Variant type: single nucleotide variant.
Coding change: c.733G>A on transcript NM_017882.3 (MANE Select); coding-DNA position 733, G replaced by A.
Protein change: p.Val245Ile; replaces valine 245 with isoleucine.
Molecular consequence: missense variant.
Genome position (GRCh38, 1-based): chr15:68,208,343, C>T on the plus strand (G>A on the coding strand, the complement: CLN6 is on the minus strand). VCF-style: chr15-68208343-C-T. GRCh37 (hg19) VCF-style: chr15-68500681-C-T.
Other names: short protein forms V245I.
Identifiers: ClinVar variation 527736 (VCV000527736.10), dbSNP rs377192977, ClinGen allele CA7630480.

ClinVar aggregate classification (germline): Conflicting classifications of pathogenicity. Review status: criteria provided, conflicting classifications (1 of 4 stars). 2 submissions from 2 submitters: Uncertain significance (1); Likely benign (1). Last evaluated 2025-12-17.

Conditions:
Neuronal ceroid lipofuscinosis. Also called: Neuronal Ceroid Lipofuscinoses. Identifiers: Orphanet 216, Orphanet 79263, MedGen C0027877, MONDO:0016295. Disease mechanism: loss of function.

Allele frequency attached by ClinVar (database versions not stated): gnomAD below 0.00001 and 0.00001; gnomAD exomes 0.00001 and 0.00002; TOPMed 0.00001; ExAC 0.00003.
gnomAD v4.1: 12 of 1,613,868 alleles (0.00074%); highest among the groups gnomAD compares: South Asian, 0.0077%; no homozygotes.

Submissions (2):

Labcorp Genetics (formerly Invitae), Labcorp
Classification: Likely benign for Neuronal ceroid lipofuscinosis. Last evaluated: 2025-12-17. Review status: criteria provided, single submitter. Criteria: Invitae Variant Classification Sherloc (09022015). Collection method: clinical testing. Allele origin: germline.

GeneDx
Classification: Uncertain significance. Last evaluated: 2024-07-24. Review status: criteria provided, single submitter. Criteria: GeneDx Variant Classification Process June 2021. Collection method: clinical testing. Allele origin: germline. Affected: yes.
Comment: Not observed at significant frequency in large population cohorts (gnomAD); In silico analysis indicates that this missense variant does not alter protein structure/function; This variant is associated with the following publications: (PMID: 34867278)